The following is an entry in ClinVar:

NM_015978.3(TNNI3K):c.1729C>T (p.Leu577Phe)

Genes: FPGT-TNNI3K (FPGT-TNNI3K readthrough; plus strand), TNNI3K (TNNI3 interacting kinase; plus strand). Cytogenetic location: 1p31.1.
Variant type: single nucleotide variant.
Coding change: c.1729C>T on transcript NM_015978.3 (MANE Select); coding-DNA position 1729, C replaced by T.
Protein change: p.Leu577Phe; replaces leucine 577 with phenylalanine.
Molecular consequence: missense variant.
Genome position (GRCh38, 1-based): chr1:74,370,349, C>T. VCF-style: chr1-74370349-C-T. GRCh37 (hg19) VCF-style: chr1-74836033-C-T.
Other names: c.1729C>T (NM_015978.2); c.2032C>T, p.Leu678Phe (NM_001112808.3, NM_001199327.2); short protein forms L577F, L678F.
Identifiers: ClinVar variation 2794183 (VCV002794183.4), dbSNP rs201010209, ClinGen allele CA340786610.

ClinVar aggregate classification (germline): Conflicting classifications of pathogenicity. Review status: criteria provided, conflicting classifications (1 of 4 stars). 2 submissions from 2 submitters: Pathogenic (1); Uncertain significance (1). Last evaluated 2025-04-04.

Conditions:
Cardiovascular phenotype. Identifiers: MedGen CN230736.

gnomAD v4.1: 1 of 1,607,848 alleles (0.000062%); highest among the groups gnomAD compares: Non-Finnish European, 0.000085%; no homozygotes.

Submissions (2):

Molecular Diagnostic Laboratory for Inherited Cardiovascular Disease, Montreal Heart Institute
Classification: Pathogenic for Cardiovascular phenotype. Last evaluated: 2025-04-04. Review status: criteria provided, single submitter. Criteria: ACMG Guidelines, 2015. Collection method: clinical testing. Allele origin: germline. Affected: yes.
Comment: PP1_strong, PM1, PM2, PS3_supp, PP3

Labcorp Genetics (formerly Invitae), Labcorp
Classification: Uncertain significance. Last evaluated: 2024-09-06. Review status: criteria provided, single submitter. Criteria: Invitae Variant Classification Sherloc (09022015). Collection method: clinical testing. Allele origin: germline.
Comment: This sequence change replaces leucine, which is neutral and non-polar, with phenylalanine, which is neutral and non-polar, at codon 577 of the TNNI3K protein (p.Leu577Phe). This variant is not present in population databases (gnomAD no frequency). This variant has not been reported in the literature in individuals affected with TNNI3K-related conditions. Invitae Evidence Modeling of protein sequence and biophysical properties (such as structural, functional, and spatial information, amino acid conservation, physicochemical variation, residue mobility, and thermodynamic stability) indicates that this missense variant is expected to disrupt TNNI3K protein function with a positive predictive value of 80%. In summary, the available evidence is currently insufficient to determine the role of this variant in disease. Therefore, it has been classified as a Variant of Uncertain Significance.